The following is an entry in ClinVar:

NM_007194.4(CHEK2):c.1192T>C (p.Ser398Pro)

Gene: CHEK2 (checkpoint kinase 2; minus strand). Cytogenetic location: 22q12.1.
Variant type: single nucleotide variant.
Coding change: c.1192T>C on transcript NM_007194.4 (MANE Select); coding-DNA position 1192, T replaced by C.
Protein change: p.Ser398Pro; replaces serine 398 with proline.
Molecular consequence: missense variant.
Genome position (GRCh38, 1-based): chr22:28,695,777, A>G on the plus strand (T>C on the coding strand, the complement: CHEK2 is on the minus strand). VCF-style: chr22-28695777-A-G. GRCh37 (hg19) VCF-style: chr22-29091765-A-G.
Other names: c.1321T>C, p.Ser441Pro (NM_001005735.3); c.529T>C, p.Ser177Pro (NM_001257387.3); c.991T>C, p.Ser331Pro (NM_001349956.3); c.1105T>C, p.Ser369Pro (NM_145862.3); short protein forms S369P, S398P, S177P, S331P, S441P.
Identifiers: ClinVar variation 2813091 (VCV002813091.3), dbSNP rs2145803640, ClinGen allele CA411096790.
Genomic context (GRCh38, chr22:28,695,777, plus strand): 5'-AAAGAATAACTCCTAAACTCCAGCAGTCCACAGCACGGTTATACCCAGCAGTCCCAACAG[A>G]AACAAGAACTTCAGGCGCCAAGTAGGTGGGGGTTCCACATAAGGTTCTCATGAGAGAGGT-3'
Protein context (NP_009125.1, residues 388-408): PTYLAPEVLV[Ser398Pro]VGTAGYNRAV

ClinVar aggregate classification (germline): Uncertain significance (1 of 4 stars; one submission).

Conditions:
Familial cancer of breast. Also called: BREAST CANCER, FAMILIAL; hereditary breast carcinoma; Hereditary breast cancer. Identifiers: Orphanet 227535, MedGen C0346153, MONDO:0016419, OMIM 114480. Disease mechanism: loss of function.

Submission:

Labcorp Genetics (formerly Invitae), Labcorp
Classification: Uncertain significance for Familial cancer of breast. Last evaluated: 2025-04-21. Review status: criteria provided, single submitter. Criteria: Invitae Variant Classification Sherloc (09022015). Collection method: clinical testing. Allele origin: germline.
Comment: This sequence change replaces serine, which is neutral and polar, with proline, which is neutral and non-polar, at codon 398 of the CHEK2 protein (p.Ser398Pro). This variant is not present in population databases (gnomAD no frequency). This variant has not been reported in the literature in individuals affected with CHEK2-related conditions. ClinVar contains an entry for this variant (Variation ID: 2813091). An algorithm developed to predict the effect of missense changes on protein structure and function (PolyPhen-2) suggests that this variant is likely to be disruptive. In summary, the available evidence is currently insufficient to determine the role of this variant in disease. Therefore, it has been classified as a Variant of Uncertain Significance.